The following is an entry in ClinVar:

ClinVar aggregate classification (germline): Uncertain significance (1 of 4 stars; one submission).

Conditions:
Spastic paraplegia. Identifiers: MedGen C0037772, HP:0001258.

Allele frequency attached by ClinVar (database versions not stated): gnomAD exomes below 0.00001.
gnomAD v4.1: 2 of 1,614,104 alleles (0.00012%); highest among the groups gnomAD compares: Non-Finnish European, 0.000085%; no homozygotes.

Submission:

Labcorp Genetics (formerly Invitae), Labcorp
Classification: Uncertain significance for Spastic paraplegia. Last evaluated: 2021-10-19. Review status: criteria provided, single submitter. Criteria: Invitae Variant Classification Sherloc (09022015). Collection method: clinical testing. Allele origin: germline.
Comment: This variant has not been reported in the literature in individuals affected with CYP2U1-related conditions. In summary, the available evidence is currently insufficient to determine the role of this variant in disease. Therefore, it has been classified as a Variant of Uncertain Significance. Advanced modeling of protein sequence and biophysical properties (such as structural, functional, and spatial information, amino acid conservation, physicochemical variation, residue mobility, and thermodynamic stability) performed at Invitae indicates that this missense variant is not expected to disrupt CYP2U1 protein function. This variant is not present in population databases (ExAC no frequency). This sequence change replaces glutamine with histidine at codon 509 of the CYP2U1 protein (p.Gln509His). The glutamine residue is highly conserved and there is a small physicochemical difference between glutamine and histidine.

NM_183075.3(CYP2U1):c.1527G>C (p.Gln509His)

Gene: CYP2U1 (cytochrome P450 family 2 subfamily U member 1; plus strand). Cytogenetic location: 4q25.
Variant type: single nucleotide variant.
Coding change: c.1527G>C on transcript NM_183075.3 (MANE Select); coding-DNA position 1527, G replaced by C.
Protein change: p.Gln509His; replaces glutamine 509 with histidine.
Molecular consequence: missense variant.
Genome position (GRCh38, 1-based): chr4:107,950,315, G>C. VCF-style: chr4-107950315-G-C. GRCh37 (hg19) VCF-style: chr4-108871471-G-C.
Other names: short protein forms Q509H.
Identifiers: ClinVar variation 1442438 (VCV001442438.6), dbSNP rs2126203368, ClinGen allele CA357839576.
Genomic context (GRCh38, chr4:107,950,315, plus strand): 5'-GTGTATGGGAGAACAACTGGCAAAGATGGAATTATTCCTAATGTTTGTGAGCCTAATGCA[G>C]AGTTTCGCATTTGCTTTACCTGAGGATTCTAAGAAGCCCCTCCTGACTGGAAGATTTGGT-3'
Protein context (NP_898898.1, residues 499-519): ELFLMFVSLM[Gln509His]SFAFALPEDS